The following is an entry in ClinVar:

ClinVar aggregate classification (germline): Pathogenic (1 of 4 stars; one submission).

Conditions:
Early-infantile DEE. Also called: Ohtahara syndrome; Early infantile epileptic encephalopathy with suppression bursts; Early infantile epileptic encephalopathy. Identifiers: Orphanet 1934, MedGen C0393706, MONDO:0800491.

Submission:

Labcorp Genetics (formerly Invitae), Labcorp
Classification: Pathogenic for Early-infantile DEE. Last evaluated: 2022-07-19. Review status: criteria provided, single submitter. Criteria: Invitae Variant Classification Sherloc (09022015). Collection method: clinical testing. Allele origin: germline.
Comment: For these reasons, this variant has been classified as Pathogenic. Algorithms developed to predict the effect of sequence changes on RNA splicing suggest that this variant may disrupt the consensus splice site. ClinVar contains an entry for this variant (Variation ID: 845006). Disruption of this splice site has been observed in individual(s) with Dravet syndrome (PMID: 18930999, 23195492). This variant is not present in population databases (gnomAD no frequency). This sequence change affects a splice site in intron 24 of the SCN1A gene. It is expected to disrupt RNA splicing. Variants that disrupt the donor or acceptor splice site typically lead to a loss of protein function (PMID: 16199547), and loss-of-function variants in SCN1A are known to be pathogenic (PMID: 17347258, 18930999).

Literature cited by the submitters: PubMed 18930999; PubMed 23195492; PubMed 16199547; PubMed 17347258.

NM_001165963.4(SCN1A):c.4581+2del

Genes: SCN1A (sodium voltage-gated channel alpha subunit 1; minus strand), LOC102724058 (uncharacterized LOC102724058; plus strand). Cytogenetic location: 2q24.3.
Variant type: Deletion.
Coding change: c.4581+2del on transcript NM_001165963.4 (MANE Select); the canonical splice donor site of the intron after coding-DNA position 4581, one base deleted (T; older notation c.4581+2delT).
Molecular consequence: splice donor variant.
Genome position (GRCh38, 1-based): chr2:165,996,011, A deleted on the plus strand (T on the coding strand, the reverse complement: SCN1A is on the minus strand). VCF-style (leftmost placement, unchanged base first): chr2-165996010-TA-T. GRCh37 (hg19) VCF-style: chr2-166852520-TA-T.
Other names: c.4548+2del (NM_001353949.2, NM_001353950.2, NM_001353951.2 and 2 more transcripts); c.4497+2del (NM_001353958.2, NM_001353957.2, NM_001165964.3); c.4581+2del (NM_001202435.3, NM_001353948.2); c.4545+2del (NM_001353955.2, NM_001353954.2); c.4494+2del (NM_001353960.2); c.2139+2del (NM_001353961.2).
Identifiers: ClinVar variation 845006 (VCV000845006.11), dbSNP rs1689985819, ClinGen allele CA916082233.